The following is an entry in ClinVar:

NM_198578.4(LRRK2):c.2856A>G (p.Ile952Met)

Gene: LRRK2 (leucine rich repeat kinase 2; plus strand). Cytogenetic location: 12q12.
Variant type: single nucleotide variant.
Coding change: c.2856A>G on transcript NM_198578.4 (MANE Select); coding-DNA position 2856, A replaced by G.
Protein change: p.Ile952Met; replaces isoleucine 952 with methionine.
Molecular consequence: missense variant.
Genome position (GRCh38, 1-based): chr12:40,294,892, A>G. VCF-style: chr12-40294892-A-G. GRCh37 (hg19) VCF-style: chr12-40688694-A-G.
Other names: short protein forms I952M.
Identifiers: ClinVar variation 1796886 (VCV001796886.2), dbSNP rs1944318943, ClinGen allele CA384412292.

ClinVar aggregate classification (germline): Uncertain significance (1 of 4 stars; one submission).

Conditions:
Inborn genetic diseases. Identifiers: MedGen C0950123, MeSH D030342.

Allele frequency attached by ClinVar (database versions not stated): gnomAD exomes below 0.00001; TOPMed below 0.00001.
gnomAD v4.1: 3 of 1,553,672 alleles (0.00019%); highest among the groups gnomAD compares: African/African-American, 0.0027%; no homozygotes.

Submission:

Ambry Genetics
Classification: Uncertain significance for Inborn genetic diseases. Last evaluated: 2021-06-21. Review status: criteria provided, single submitter. Criteria: Ambry Variant Classification Scheme 2023. Collection method: clinical testing. Allele origin: germline.
Comment: The p.I952M variant (also known as c.2856A>G), located in coding exon 22 of the LRRK2 gene, results from an A to G substitution at nucleotide position 2856. The isoleucine at codon 952 is replaced by methionine, an amino acid with highly similar properties. This amino acid position is conserved. In addition, this alteration is predicted to be tolerated by in silico analysis. Since supporting evidence is limited at this time, the clinical significance of this alteration remains unclear.